The following is an entry in ClinVar:

NM_002880.4(RAF1):c.680+202A>G

Gene: RAF1 (Raf-1 proto-oncogene, serine/threonine kinase; minus strand). Cytogenetic location: 3p25.2.
Variant type: single nucleotide variant.
Coding change: c.680+202A>G on transcript NM_002880.4 (MANE Select); 202 bases into the intron after coding-DNA position 680, A replaced by G.
Molecular consequence: intron variant.
Genome position (GRCh38, 1-based): chr3:12,605,999, T>C on the plus strand (A>G on the coding strand, the complement: RAF1 is on the minus strand). VCF-style: chr3-12605999-T-C. GRCh37 (hg19) VCF-style: chr3-12647498-T-C.
Other names: c.680+202A>G (NM_001354689.3, NM_001354690.3); c.437+202A>G (NM_001354691.3, NM_001354692.3, NM_001354694.3); c.339-1710A>G (NM_001354695.3); c.582-1710A>G (NM_001354693.3).
Identifiers: ClinVar variation 3234796 (VCV003234796.20), dbSNP rs2059016057, ClinGen allele CA1346221282.
Genomic context (GRCh38, chr3:12,605,999, plus strand): 5'-AATGTAATGACATATTAAGAAATATGCTATGATAACAGAAGAAGCTACAGTCAAAGTCAC[T>C]TTCCAGAATGTAAGACCTACAGGTCCATAAACAGAAATTTCTACCTTTTCTGTACCACCA-3'

ClinVar aggregate classification (germline): Uncertain significance (1 of 4 stars; one submission).

Submission:

CeGaT Center for Human Genetics Tuebingen
Classification: Uncertain significance. Last evaluated: 2024-04-01. Review status: criteria provided, single submitter. Criteria: CeGaT Center For Human Genetics Tuebingen Variant Classification Criteria Version 2. Collection method: clinical testing. Allele origin: germline. Affected: yes. Observed: 1 variant allele.
Comment: RAF1: PM2